The following is an entry in ClinVar:

NM_000083.3(CLCN1):c.1108C>T (p.Arg370Cys)

Gene: CLCN1 (chloride voltage-gated channel 1; plus strand). Cytogenetic location: 7q34.
Variant type: single nucleotide variant.
Coding change: c.1108C>T on transcript NM_000083.3 (MANE Select); coding-DNA position 1108, C replaced by T.
Protein change: p.Arg370Cys; replaces arginine 370 with cysteine.
Molecular consequence: missense variant. On other transcripts: non-coding transcript variant (1).
Genome position (GRCh38, 1-based): chr7:143,331,594, C>T. VCF-style: chr7-143331594-C-T. GRCh37 (hg19) VCF-style: chr7-143028687-C-T.
Other names: short protein forms R370C.
Identifiers: ClinVar variation 2440112 (VCV002440112.6), dbSNP rs1256013991, ClinGen allele CA369642195.
Genomic context (GRCh38, chr7:143,331,594, plus strand): 5'-ATAAATTACACCCTCAGGATTTGCTGTGGGCTCCTGGGAGCTGTATTTGTGTATCTGCAT[C>T]GCCAAGTCATGCTCGGTGTCCGAAAGCACAAGGCCCTCAGCCAGTTTCTTGCTAAGCAGT-3'
Protein context (NP_000074.3, residues 360-380): LLGAVFVYLH[Arg370Cys]QVMLGVRKHK

ClinVar aggregate classification (germline): Uncertain significance. Review status: criteria provided, multiple submitters, no conflicts (2 of 4 stars). 3 submissions from 3 submitters: Uncertain significance (3). Last evaluated 2025-10-22.

Conditions:
Congenital myotonia, autosomal recessive form. Also called: Becker Generalized Myotonia; BECKER DISEASE; myotonia congenita, autosomal recessive. Identifiers: Orphanet 614, MedGen C0751360, MONDO:0009715, OMIM 255700.
Congenital myotonia, autosomal dominant form (THD). Also called: THOMSEN DISEASE; Myotonia congenita autosomal dominant. Identifiers: Orphanet 614, MedGen C2936781, MONDO:0008055, OMIM 160800.
Inborn genetic diseases. Identifiers: MedGen C0950123, MeSH D030342.

Allele frequency attached by ClinVar (database versions not stated): gnomAD 0.00001; TOPMed 0.00001; gnomAD exomes 0.00002.
gnomAD v4.1: 28 of 1,613,994 alleles (0.0017%); highest among the groups gnomAD compares: East Asian, 0.0067%; no homozygotes.

Submissions (3):

Labcorp Genetics (formerly Invitae), Labcorp
Classification: Uncertain significance for Congenital myotonia, autosomal recessive form; Congenital myotonia, autosomal dominant form. Last evaluated: 2025-10-22. Review status: criteria provided, single submitter. Criteria: Invitae Variant Classification Sherloc (09022015). Collection method: clinical testing. Allele origin: germline.
Comment: This sequence change replaces arginine, which is basic and polar, with cysteine, which is neutral and slightly polar, at codon 370 of the CLCN1 protein (p.Arg370Cys). The frequency data for this variant in the population databases is considered unreliable, as metrics indicate poor data quality at this position in the gnomAD database. This variant has not been reported in the literature in individuals affected with CLCN1-related conditions. ClinVar contains an entry for this variant (Variation ID: 2440112). Invitae Evidence Modeling of protein sequence and biophysical properties (such as structural, functional, and spatial information, amino acid conservation, physicochemical variation, residue mobility, and thermodynamic stability) indicates that this missense variant is expected to disrupt CLCN1 protein function with a positive predictive value of 95%. Algorithms developed to predict the effect of sequence changes on RNA splicing suggest that this variant may disrupt the consensus splice site. In summary, the available evidence is currently insufficient to determine the role of this variant in disease. Therefore, it has been classified as a Variant of Uncertain Significance.

Ambry Genetics
Classification: Uncertain significance for Inborn genetic diseases. Last evaluated: 2024-11-15. Review status: criteria provided, single submitter. Criteria: Ambry Variant Classification Scheme 2023. Collection method: clinical testing. Allele origin: germline.

Revvity Omics, Revvity
Classification: Uncertain significance. Last evaluated: 2019-10-11. Review status: criteria provided, single submitter. Criteria: ACMG Guidelines, 2015. Collection method: clinical testing. Allele origin: germline.